The following is an entry in ClinVar:

NM_000051.4(ATM):c.835A>G (p.Ile279Val)

Gene: ATM (ATM serine/threonine kinase; plus strand). Cytogenetic location: 11q22.3.
Variant type: single nucleotide variant.
Coding change: c.835A>G on transcript NM_000051.4 (MANE Select); coding-DNA position 835, A replaced by G.
Protein change: p.Ile279Val; replaces isoleucine 279 with valine.
Molecular consequence: missense variant.
Genome position (GRCh38, 1-based): chr11:108,244,960, A>G. VCF-style: chr11-108244960-A-G. GRCh37 (hg19) VCF-style: chr11-108115687-A-G.
Other names: c.835A>G, p.Ile279Val (NM_001351834.2); short protein forms I279V.
Identifiers: ClinVar variation 453729 (VCV000453729.10), dbSNP rs1555067210, ClinGen allele CA382529446.

ClinVar aggregate classification (germline): Uncertain significance. Review status: criteria provided, multiple submitters, no conflicts (2 of 4 stars). 2 submissions from 2 submitters: Uncertain significance (2). Last evaluated 2025-11-22.

Conditions:
Hereditary cancer-predisposing syndrome. Also called: Tumor predisposition; Hereditary Cancer Syndrome; Neoplastic Syndromes, Hereditary; Hereditary neoplastic syndrome. Identifiers: Orphanet 140162, MedGen C0027672, MeSH D009386, MONDO:0015356.
Ataxia-telangiectasia syndrome (AT). Also called: Cerebello-oculocutaneous telangiectasia; Immunodeficiency with ataxia telangiectasia; Ataxia-telangiectasia, complementation group D; AT, COMPLEMENTATION GROUP C; Ataxia-telangiectasia, complementation group E; LOUIS-BAR SYNDROME. Identifiers: Orphanet 100, MedGen C0004135, MONDO:0008840, OMIM 208900.

Submissions (2):

Labcorp Genetics (formerly Invitae), Labcorp
Classification: Uncertain significance for Ataxia-telangiectasia syndrome. Last evaluated: 2025-11-22. Review status: criteria provided, single submitter. Criteria: Invitae Variant Classification Sherloc (09022015). Collection method: clinical testing. Allele origin: germline.
Comment: This sequence change replaces isoleucine, which is neutral and non-polar, with valine, which is neutral and non-polar, at codon 279 of the ATM protein (p.Ile279Val). This variant is not present in population databases (gnomAD no frequency). This variant has not been reported in the literature in individuals affected with ATM-related conditions. ClinVar contains an entry for this variant (Variation ID: 453729). Invitae Evidence Modeling of protein sequence and biophysical properties (such as structural, functional, and spatial information, amino acid conservation, physicochemical variation, residue mobility, and thermodynamic stability) indicates that this missense variant is not expected to disrupt ATM protein function with a negative predictive value of 95%. In summary, the available evidence is currently insufficient to determine the role of this variant in disease. Therefore, it has been classified as a Variant of Uncertain Significance.

Ambry Genetics
Classification: Uncertain significance for Hereditary cancer-predisposing syndrome. Last evaluated: 2018-11-27. Review status: criteria provided, single submitter. Criteria: Ambry Variant Classification Scheme 2023. Collection method: clinical testing. Allele origin: germline.
Comment: The p.I279V variant (also known as c.835A>G), located in coding exon 6 of the ATM gene, results from an A to G substitution at nucleotide position 835. The isoleucine at codon 279 is replaced by valine, an amino acid with highly similar properties. This amino acid position is well conserved in available vertebrate species. In addition, this alteration is predicted to be tolerated by in silico analysis. Since supporting evidence is limited at this time, the clinical significance of this alteration remains unclear.